The following is an entry in ClinVar:

ClinVar aggregate classification (germline): Uncertain significance (1 of 4 stars; one submission).

gnomAD v4.1: 1 of 1,572,154 alleles (0.000064%); highest among the groups gnomAD compares: Non-Finnish European, 0.000086%; no homozygotes.

Submission:

GeneDx
Classification: Uncertain significance. Last evaluated: 2024-02-22. Review status: criteria provided, single submitter. Criteria: GeneDx Variant Classification Process June 2021. Collection method: clinical testing. Allele origin: germline. Affected: yes.
Comment: Has not been previously published as pathogenic or benign to our knowledge; Not observed at significant frequency in large population cohorts (gnomAD); In silico analysis supports that this missense variant does not alter protein structure/function

NM_003036.4(SKI):c.1652G>A (p.Gly551Asp)

Gene: SKI (SKI proto-oncogene; plus strand). Cytogenetic location: 1p36.32.
Variant type: single nucleotide variant.
Coding change: c.1652G>A on transcript NM_003036.4 (MANE Select); coding-DNA position 1652, G replaced by A.
Protein change: p.Gly551Asp; replaces glycine 551 with aspartic acid.
Molecular consequence: missense variant.
Genome position (GRCh38, 1-based): chr1:2,304,470, G>A. VCF-style: chr1-2304470-G-A. GRCh37 (hg19) VCF-style: chr1-2235909-G-A.
Other names: short protein forms G551D.
Identifiers: ClinVar variation 3340770 (VCV003340770.1).
Genomic context (GRCh38, chr1:2,304,470, plus strand): 5'-CTGCCGACGCCCCCAGTGGGCTGGAGGCGGAGCTGGAGCACCTGCGGCAGGCACTGGAGG[G>A]CGGCCTGGACACCAAGGAAGCCAAAGAGAAGTTCCTGCATGAGGTGGTCAAGATGCGCGT-3'
Protein context (NP_003027.1, residues 541-561): ELEHLRQALE[Gly551Asp]GLDTKEAKEK